The following is an entry in ClinVar:

ClinVar aggregate classification (germline): Conflicting classifications of pathogenicity. Review status: criteria provided, conflicting classifications (1 of 4 stars). 5 submissions from 5 submitters: Uncertain significance (2); Likely benign (2). 1 of the submissions does not count toward it. Last evaluated 2025-11-12.

Conditions:
Hereditary hemorrhagic telangiectasia (HHT). Also called: ORW DISEASE; Osler Weber Rendu syndrome; OSLER-RENDU-WEBER DISEASE; Osler hemorrhagic telangiectasia syndrome. Identifiers: Orphanet 774, MedGen C0039445, MONDO:0019180. Disease mechanism: loss of function.
Cardiovascular phenotype. Identifiers: MedGen CN230736.
ENG-related disorder. Also called: ENG-related condition; ENG-related disorders.
Telangiectasia, hereditary hemorrhagic, type 1 (HHT1). Also called: Osler Weber Rendu syndrome type 1; ENG-Related Hereditary Hemorrhagic Telangiectasia. Identifiers: Orphanet 774, MedGen C4551861, MONDO:0008535, OMIM 187300. Disease mechanism: loss of function.

Allele frequency attached by ClinVar (database versions not stated): ESP Exome Variant Server 0.00023; 1000 Genomes Project 30x 0.00016; 1000 Genomes Project 0.00020; TOPMed 0.00023; gnomAD 0.00014 and 0.00012.

Submissions (5):

Labcorp Genetics (formerly Invitae), Labcorp
Classification: Likely benign for Hereditary hemorrhagic telangiectasia. Last evaluated: 2025-11-12. Review status: criteria provided, single submitter. Criteria: Invitae Variant Classification Sherloc (09022015). Collection method: clinical testing. Allele origin: germline.

Ambry Genetics
Classification: Likely benign for Cardiovascular phenotype. Last evaluated: 2021-12-23. Review status: criteria provided, single submitter. Criteria: Ambry Variant Classification Scheme 2023. Collection method: clinical testing. Allele origin: germline.

Johns Hopkins Genomics, Johns Hopkins University
Classification: Uncertain significance for Telangiectasia, hereditary hemorrhagic, type 1. Last evaluated: 2021-03-23. Review status: criteria provided, single submitter. Criteria: ACMG Guidelines, 2015. Collection method: clinical testing. Allele origin: germline.
Comment: ENG c.694C>T has been previously reported in an individual with an intracranial aneurysm, but also in three apparently healthy individuals. This ENG variant (rs200372420) is rare (<0.1%) in a large population dataset (gnomAD: 22/279074 total alleles; 0.008%; no homozygotes) and has been reported in ClinVar. Three bioinformatic tools queried predict that this substitution would be damaging. The arginine residue at this position is evolutionarily conserved across most of the mammals assessed, however a tryptophan is present at this position in two mammalian species. We consider the clinical significance of ENG c.694C>T to be uncertain at this time.

ARUP Laboratories, Molecular Genetics and Genomics, ARUP Laboratories
Classification: Uncertain significance for Telangiectasia, hereditary hemorrhagic, type 1. Last evaluated: 2019-03-28. Review status: criteria provided, single submitter. Criteria: ARUP Molecular Germline Variant Investigation Process. Collection method: clinical testing. Allele origin: germline.
Comment: The ENG c.694C>T; p.Arg232Trp variant (rs200372420) is reported in the literature in an individual affected with intracranial aneurysm but also in several healthy controls (Santiago-Sim 2009). This variant is found in the African population with an overall allele frequency of 0.06% (15/24588 alleles) in the Genome Aggregation Database. The arginine at codon 232 is weakly conserved, but computational analyses (SIFT, PolyPhen-2) predict that this variant is deleterious. However, due to limited information, the clinical significance of the p.Arg232Trp variant is uncertain at this time. References: Santiago-Sim T et al. Sequencing of TGF-beta pathway genes in familial cases of intracranial aneurysm. Stroke. 2009 May;40(5):1604-11.

PreventionGenetics, part of Exact Sciences
Classification: Uncertain significance for ENG-related condition. Last evaluated: 2024-06-27. Review status: no assertion criteria provided. Collection method: clinical testing. Allele origin: germline. Not counted in ClinVar's aggregate classification.
Comment: The ENG c.694C>T variant is predicted to result in the amino acid substitution p.Arg232Trp. This variant has been reported in an individual with an intracranial aneurysm (Santiago-Sim T et al 2009. PubMed ID: 19299629). This variant is reported in 0.061% of alleles in individuals of African descent in gnomAD and has conflicting interpretations regarding its pathogenicity in ClinVar, ranging from likely benign to uncertain. At this time, the clinical significance of this variant is uncertain due to the absence of conclusive functional and genetic evidence.

Literature cited by the submitters: PubMed 19299629 (cited by Ambry Genetics and Johns Hopkins Genomics, Johns Hopkins University).

NM_001114753.3(ENG):c.694C>T (p.Arg232Trp)

Gene: ENG (endoglin; minus strand). Cytogenetic location: 9q34.11.
Variant type: single nucleotide variant.
Coding change: c.694C>T on transcript NM_001114753.3 (MANE Select); coding-DNA position 694, C replaced by T.
Protein change: p.Arg232Trp; replaces arginine 232 with tryptophan.
Molecular consequence: missense variant.
Genome position (GRCh38, 1-based): chr9:127,825,353, G>A on the plus strand (C>T on the coding strand, the complement: ENG is on the minus strand). VCF-style: chr9-127825353-G-A. GRCh37 (hg19) VCF-style: chr9-130587632-G-A.
Other names: c.694C>T, p.Arg232Trp (NM_000118.4, NM_001406715.1); c.148C>T, p.Arg50Trp (NM_001278138.2); short protein forms R232W, R50W.
Identifiers: ClinVar variation 652688 (VCV000652688.20), dbSNP rs200372420, ClinGen allele CA5253012.